The following is an entry in ClinVar:

NM_004977.3(KCNC3):c.1979-174del

Gene: KCNC3 (potassium voltage-gated channel subfamily C member 3; minus strand). Cytogenetic location: 19q13.33.
Variant type: Deletion.
Coding change: c.1979-174del on transcript NM_004977.3 (MANE Select); 174 bases into the intron before coding-DNA position 1979, one base deleted (C; older notation c.1979-174delC).
Molecular consequence: intron variant.
Genome position (GRCh38, 1-based): chr19:50,320,958, G deleted on the plus strand (C on the coding strand, the reverse complement: KCNC3 is on the minus strand); the first of 5 consecutive G bases (chr19:50,320,958-50,320,962); deleting any one gives the same sequence. VCF-style (leftmost placement, unchanged base first): chr19-50320957-AG-A. GRCh37 (hg19) VCF-style: chr19-50824214-AG-A.
Other names: c.1751-174del (NM_001372305.1).
Identifiers: ClinVar variation 1704026 (VCV001704026.2), dbSNP rs149378050, ClinGen allele CA309571041.

ClinVar aggregate classification (germline): Likely benign (1 of 4 stars; one submission).

Submission:

GeneDx
Classification: Likely benign. Last evaluated: 2021-12-01. Review status: criteria provided, single submitter. Criteria: GeneDx Variant Classification Process June 2021. Collection method: clinical testing. Allele origin: germline. Affected: yes.
Comment: See Variant Classification Assertion Criteria.